The following is an entry in ClinVar:

ClinVar aggregate classification (germline): Uncertain significance (1 of 4 stars; one submission).

Conditions:
Netherton syndrome (NETH). Also called: NETHERTON DISEASE; ERYTHRODERMA, ICHTHYOSIFORM, WITH HYPOTRICHOSIS AND HYPER-IgE; COMEL-NETHERTON SYNDROME. Identifiers: Orphanet 634, MedGen C5574950, MONDO:0009735, OMIM 256500.

Allele frequency attached by ClinVar (database versions not stated): gnomAD exomes 0.00001 and 0.00002; ExAC 0.00002; gnomAD 0.00002 and 0.00003; TOPMed 0.00002; ESP Exome Variant Server 0.00008.
gnomAD v4.1: 35 of 1,613,638 alleles (0.0022%); highest among the groups gnomAD compares: Non-Finnish European, 0.0027%; no homozygotes.

Submission:

Labcorp Genetics (formerly Invitae), Labcorp
Classification: Uncertain significance for Ichthyosis linearis circumflexa. Last evaluated: 2022-02-10. Review status: criteria provided, single submitter. Criteria: Invitae Variant Classification Sherloc (09022015). Collection method: clinical testing. Allele origin: germline.
Comment: This sequence change replaces arginine, which is basic and polar, with glutamine, which is neutral and polar, at codon 448 of the SPINK5 protein (p.Arg448Gln). This variant is present in population databases (rs375796789, gnomAD 0.007%). This variant has not been reported in the literature in individuals affected with SPINK5-related conditions. Algorithms developed to predict the effect of missense changes on protein structure and function output the following: SIFT: "Tolerated"; PolyPhen-2: "Benign"; Align-GVGD: "Class C0". The glutamine amino acid residue is found in multiple mammalian species, which suggests that this missense change does not adversely affect protein function. In summary, the available evidence is currently insufficient to determine the role of this variant in disease. Therefore, it has been classified as a Variant of Uncertain Significance.

NM_006846.4(SPINK5):c.1343G>A (p.Arg448Gln)

Gene: SPINK5 (serine peptidase inhibitor Kazal type 5; plus strand). Cytogenetic location: 5q32.
Variant type: single nucleotide variant.
Coding change: c.1343G>A on transcript NM_006846.4 (MANE Select); coding-DNA position 1343, G replaced by A.
Protein change: p.Arg448Gln; replaces arginine 448 with glutamine.
Molecular consequence: missense variant.
Genome position (GRCh38, 1-based): chr5:148,101,821, G>A. VCF-style: chr5-148101821-G-A. GRCh37 (hg19) VCF-style: chr5-147481384-G-A.
Other names: c.1343G>A, p.Arg448Gln (NM_001127698.2, NM_001127699.2); short protein forms R448Q.
Identifiers: ClinVar variation 1376942 (VCV001376942.5), dbSNP rs375796789, ClinGen allele CA3495569.